The following is an entry in ClinVar:

ClinVar aggregate classification (germline): Uncertain significance (1 of 4 stars; one submission).

Conditions:
Inborn genetic diseases. Identifiers: MedGen C0950123, MeSH D030342.

gnomAD v4.1: 4 of 1,612,054 alleles (0.00025%); highest among the groups gnomAD compares: African/African-American, 0.0027%; no homozygotes.

Submission:

Ambry Genetics
Classification: Uncertain significance for Inborn genetic diseases. Last evaluated: 2024-11-28. Review status: criteria provided, single submitter. Criteria: Ambry Variant Classification Scheme 2023. Collection method: clinical testing. Allele origin: germline.
Comment: The p.R1115S variant (also known as c.3345G>T), located in coding exon 32 of the RTEL1 gene, results from a G to T substitution at nucleotide position 3345. The arginine at codon 1115 is replaced by serine, an amino acid with dissimilar properties. This amino acid position is conserved. In addition, the in silico prediction for this alteration is inconclusive. Based on the available evidence, the clinical significance of this variant remains unclear.

NM_001283009.2(RTEL1):c.3345G>T (p.Arg1115Ser)

Genes: RTEL1 (regulator of telomere elongation helicase 1; plus strand), RTEL1-TNFRSF6B (RTEL1-TNFRSF6B readthrough (NMD candidate); plus strand). Cytogenetic location: 20q13.33.
Variant type: single nucleotide variant.
Coding change: c.3345G>T on transcript NM_001283009.2 (MANE Select); coding-DNA position 3345, G replaced by T.
Protein change: p.Arg1115Ser; replaces arginine 1115 with serine.
Molecular consequence: missense variant. On other transcripts: non-coding transcript variant (1).
Genome position (GRCh38, 1-based): chr20:63,695,067, G>T. VCF-style: chr20-63695067-G-T. GRCh37 (hg19) VCF-style: chr20-62326420-G-T.
Other names: c.2676G>T, p.Arg892Ser (NM_001283010.1); c.3345G>T, p.Arg1115Ser (NM_016434.4); c.3417G>T, p.Arg1139Ser (NM_032957.5); short protein forms R892S, R1139S, R1115S.
Identifiers: ClinVar variation 3435993 (VCV003435993.1).